The following is an entry in ClinVar:

ClinVar aggregate classification (germline): Conflicting classifications of pathogenicity. Review status: criteria provided, conflicting classifications (1 of 4 stars). 3 submissions from 3 submitters: Uncertain significance (2); Likely benign (1). Last evaluated 2025-06-17.

Conditions:
Hereditary cancer-predisposing syndrome. Also called: Hereditary neoplastic syndrome; Neoplastic Syndromes, Hereditary; Tumor predisposition; Hereditary Cancer Syndrome. Identifiers: Orphanet 140162, MedGen C0027672, MeSH D009386, MONDO:0015356.
BAP1-related tumor predisposition syndrome (TPDS1). Also called: BAP1 tumor predisposition syndrome; Tumor susceptibility linked to germline BAP1 mutations; COMMON Syndrome; TUMOR PREDISPOSITION SYNDROME 1. Identifiers: Orphanet 289539, MedGen C3280492, MONDO:0013692, OMIM 614327.

Submissions (3):

Ambry Genetics
Classification: Likely benign for Hereditary cancer-predisposing syndrome. Last evaluated: 2025-06-17. Review status: criteria provided, single submitter. Criteria: Ambry Variant Classification Scheme 2023. Collection method: clinical testing. Allele origin: germline.

Color Diagnostics, LLC DBA Color Health
Classification: Uncertain significance for Hereditary cancer-predisposing syndrome. Last evaluated: 2025-02-25. Review status: criteria provided, single submitter. Criteria: ACMG Guidelines, 2015. Collection method: clinical testing. Allele origin: germline.
Comment: This missense variant replaces arginine with cysteine at codon 237 of the BAP1 protein. To our knowledge, functional studies have not been reported for this variant. This variant has been reported in individuals affected with uveal melanoma (PMID: 28444874). This variant has not been identified in the general population by the Genome Aggregation Database (gnomAD). The available evidence is insufficient to determine the role of this variant in disease conclusively. Therefore, this variant is classified as a Variant of Uncertain Significance.

Labcorp Genetics (formerly Invitae), Labcorp
Classification: Uncertain significance for BAP1-related tumor predisposition syndrome. Last evaluated: 2024-06-09. Review status: criteria provided, single submitter. Criteria: Invitae Variant Classification Sherloc (09022015). Collection method: clinical testing. Allele origin: germline.
Comment: This sequence change replaces arginine, which is basic and polar, with cysteine, which is neutral and slightly polar, at codon 237 of the BAP1 protein (p.Arg237Cys). This variant is not present in population databases (gnomAD no frequency). This variant has not been reported in the literature in individuals affected with BAP1-related conditions. ClinVar contains an entry for this variant (Variation ID: 836491). Advanced modeling of protein sequence and biophysical properties (such as structural, functional, and spatial information, amino acid conservation, physicochemical variation, residue mobility, and thermodynamic stability) performed at Invitae indicates that this missense variant is not expected to disrupt BAP1 protein function with a negative predictive value of 80%. In summary, the available evidence is currently insufficient to determine the role of this variant in disease. Therefore, it has been classified as a Variant of Uncertain Significance.

Literature cited by the submitters: PubMed 28444874 (cited by Ambry Genetics and Color Diagnostics, LLC DBA Color Health); PubMed 38969833 (cited by Ambry Genetics).

NM_004656.4(BAP1):c.709C>T (p.Arg237Cys)

Gene: BAP1 (BRCA1 associated deubiquitinase 1; minus strand). Cytogenetic location: 3p21.1.
Variant type: single nucleotide variant.
Coding change: c.709C>T on transcript NM_004656.4 (MANE Select); coding-DNA position 709, C replaced by T.
Protein change: p.Arg237Cys; replaces arginine 237 with cysteine.
Molecular consequence: missense variant.
Genome position (GRCh38, 1-based): chr3:52,406,327, G>A on the plus strand (C>T on the coding strand, the complement: BAP1 is on the minus strand). VCF-style: chr3-52406327-G-A. GRCh37 (hg19) VCF-style: chr3-52440343-G-A.
Other names: short protein forms R237C.
Identifiers: ClinVar variation 836491 (VCV000836491.11), dbSNP rs1705157079, ClinGen allele CA353107333.